The following is an entry in ClinVar:

ClinVar aggregate classification (germline): Uncertain significance. Review status: criteria provided, multiple submitters, no conflicts (2 of 4 stars). 2 submissions from 2 submitters: Uncertain significance (2). Last evaluated 2025-06-11.

Conditions:
DICER1-related tumor predisposition. Also called: DICER1-related pleuropulmonary blastoma cancer predisposition syndrome; DICER1 syndrome. Identifiers: Orphanet 284343, MedGen C3839822, MONDO:0100216.
Hereditary cancer-predisposing syndrome. Also called: Hereditary neoplastic syndrome; Neoplastic Syndromes, Hereditary; Hereditary Cancer Syndrome; Tumor predisposition. Identifiers: Orphanet 140162, MedGen C0027672, MeSH D009386, MONDO:0015356.

Allele frequency attached by ClinVar (database versions not stated): gnomAD exomes below 0.00001; TOPMed below 0.00001; ExAC 0.00001; gnomAD 0.00001.
gnomAD v4.1: 4 of 1,614,020 alleles (0.00025%); highest among the groups gnomAD compares: East Asian, 0.0067%; no homozygotes.

Submissions (2):

Ambry Genetics
Classification: Uncertain significance for Hereditary cancer-predisposing syndrome. Last evaluated: 2025-06-11. Review status: criteria provided, single submitter. Criteria: Ambry Variant Classification Scheme 2023. Collection method: clinical testing. Allele origin: germline.
Comment: The p.D1476Y variant (also known as c.4426G>T), located in coding exon 22 of the DICER1 gene, results from a G to T substitution at nucleotide position 4426. The aspartic acid at codon 1476 is replaced by tyrosine, an amino acid with highly dissimilar properties. This amino acid position is well conserved in available vertebrate species. In addition, this alteration is predicted to be deleterious by in silico analysis. Based on the available evidence, the clinical significance of this variant remains unclear.

Labcorp Genetics (formerly Invitae), Labcorp
Classification: Uncertain significance for DICER1-related tumor predisposition. Last evaluated: 2025-02-02. Review status: criteria provided, single submitter. Criteria: Invitae Variant Classification Sherloc (09022015). Collection method: clinical testing. Allele origin: germline.
Comment: This sequence change replaces aspartic acid, which is acidic and polar, with tyrosine, which is neutral and polar, at codon 1476 of the DICER1 protein (p.Asp1476Tyr). This variant is present in population databases (rs759857552, gnomAD 0.006%). This variant has not been reported in the literature in individuals affected with DICER1-related conditions. ClinVar contains an entry for this variant (Variation ID: 1414109). Invitae Evidence Modeling of protein sequence and biophysical properties (such as structural, functional, and spatial information, amino acid conservation, physicochemical variation, residue mobility, and thermodynamic stability) indicates that this missense variant is not expected to disrupt DICER1 protein function with a negative predictive value of 95%. In summary, the available evidence is currently insufficient to determine the role of this variant in disease. Therefore, it has been classified as a Variant of Uncertain Significance.

NM_177438.3(DICER1):c.4426G>T (p.Asp1476Tyr)

Gene: DICER1 (dicer 1, ribonuclease III; minus strand). Cytogenetic location: 14q32.13.
Variant type: single nucleotide variant.
Coding change: c.4426G>T on transcript NM_177438.3 (MANE Select); coding-DNA position 4426, G replaced by T.
Protein change: p.Asp1476Tyr; replaces aspartic acid 1476 with tyrosine.
Molecular consequence: missense variant.
Genome position (GRCh38, 1-based): chr14:95,096,494, C>A on the plus strand (G>T on the coding strand, the complement: DICER1 is on the minus strand). VCF-style: chr14-95096494-C-A. GRCh37 (hg19) VCF-style: chr14-95562831-C-A.
Other names: c.4426G>T, p.Asp1476Tyr (NM_001195573.1, NM_001271282.3, NM_001291628.2 and 1 more transcripts); short protein forms D1476Y.
Identifiers: ClinVar variation 1414109 (VCV001414109.10), dbSNP rs759857552, ClinGen allele CA7330847.